The following is an entry in ClinVar:

ClinVar aggregate classification (germline): Uncertain significance (1 of 4 stars; one submission).

gnomAD v4.1: 1 of 1,209,516 alleles (0.000083%); highest among the groups gnomAD compares: African/African-American, 0.0018%; no homozygotes.

Submission:

GeneDx
Classification: Uncertain significance. Last evaluated: 2025-03-20. Review status: criteria provided, single submitter. Criteria: GeneDx Variant Classification Process June 2021. Collection method: clinical testing. Allele origin: germline. Affected: yes.
Comment: In silico analysis supports that this missense variant has a deleterious effect on protein structure/function; Has not been previously published as pathogenic or benign to our knowledge

NM_001320752.2(STS):c.1085G>A (p.Gly362Glu)

Gene: STS (steroid sulfatase; plus strand). Cytogenetic location: Xp22.31.
Variant type: single nucleotide variant.
Coding change: c.1085G>A on transcript NM_001320752.2 (MANE Select); coding-DNA position 1085, G replaced by A.
Protein change: p.Gly362Glu; replaces glycine 362 with glutamic acid.
Molecular consequence: missense variant.
Genome position (GRCh38, 1-based): chrX:7,325,342, G>A. VCF-style: chrX-7325342-G-A. GRCh37 (hg19) VCF-style: chrX-7243383-G-A.
Other names: c.1085G>A, p.Gly362Glu (NM_000351.7, NM_001320753.2, NM_001320754.2); c.1121G>A, p.Gly374Glu (NM_001320750.3, NM_001320751.2); short protein forms G362E, G374E.
Identifiers: ClinVar variation 4086469 (VCV004086469.1).